The following is an entry in ClinVar:

NM_000117.3(EMD):c.550A>C (p.Thr184Pro)

Gene: EMD (emerin; plus strand). Cytogenetic location: Xq28.
Variant type: single nucleotide variant.
Coding change: c.550A>C on transcript NM_000117.3 (MANE Select); coding-DNA position 550, A replaced by C.
Protein change: p.Thr184Pro; replaces threonine 184 with proline.
Molecular consequence: missense variant.
Genome position (GRCh38, 1-based): chrX:154,380,982, A>C. VCF-style: chrX-154380982-A-C. GRCh37 (hg19) VCF-style: chrX-153609342-A-C.
Other names: short protein forms T184P.
Identifiers: ClinVar variation 1723104 (VCV001723104.3), dbSNP rs2522790332, ClinGen allele CA415258795.

ClinVar aggregate classification (germline): Uncertain significance. Review status: criteria provided, multiple submitters, no conflicts (2 of 4 stars). 2 submissions from 2 submitters: Uncertain significance (2). Last evaluated 2026-08-10.

Conditions:
Cardiovascular phenotype. Identifiers: MedGen CN230736.

Submissions (2):

Ambry Genetics
Classification: Uncertain significance for Cardiovascular phenotype. Last evaluated: 2026-08-10. Review status: criteria provided, single submitter. Criteria: Ambry Variant Classification Scheme 2023. Collection method: clinical testing. Allele origin: germline.
Comment: The p.T184P variant (also known as c.550A>C), located in coding exon 6 of the EMD gene, results from an A to C substitution at nucleotide position 550. The threonine at codon 184 is replaced by proline, an amino acid with highly similar properties. This amino acid position is not well conserved in available vertebrate species. In addition, this alteration is predicted to be tolerated by in silico analysis. Based on the available evidence, the clinical significance of this variant remains unclear.

GeneDx
Classification: Uncertain significance. Last evaluated: 2022-05-04. Review status: criteria provided, single submitter. Criteria: GeneDx Variant Classification Process June 2021. Collection method: clinical testing. Allele origin: germline. Affected: yes.
Comment: Not observed at significant frequency in large population cohorts (gnomAD); Missense variants in this gene are often considered pathogenic (HGMD); In silico analysis supports that this missense variant does not alter protein structure/function; Has not been previously published as pathogenic or benign to our knowledge